The following is an entry in ClinVar:

NM_017617.5(NOTCH1):c.3181C>A (p.His1061Asn)

Gene: NOTCH1 (notch receptor 1; minus strand). Cytogenetic location: 9q34.3.
Variant type: single nucleotide variant.
Coding change: c.3181C>A on transcript NM_017617.5 (MANE Select); coding-DNA position 3181, C replaced by A.
Protein change: p.His1061Asn; replaces histidine 1061 with asparagine.
Molecular consequence: missense variant.
Genome position (GRCh38, 1-based): chr9:136,508,376, G>T on the plus strand (C>A on the coding strand, the complement: NOTCH1 is on the minus strand). VCF-style: chr9-136508376-G-T. GRCh37 (hg19) VCF-style: chr9-139402828-G-T.
Other names: c.3181C>A (NM_017617.3); short protein forms H1061N.
Identifiers: ClinVar variation 4738979 (VCV004738979.2).
Genomic context (GRCh38, chr9:136,508,376, plus strand): 5'-ACTGGGTGTGGGTCTGCCAGCATTTGCCGCCGTTCTTGCAGGGCGAGGAGTCACACCAGT[G>T]CACAAGGTTCTGGGGACAGATTGGGGTCAGCTGGGTGCCCGCGCCCCGGCCATTTCCCCG-3'
Protein context (NP_060087.3, residues 1051-1071): YTGPNCQNLV[His1061Asn]WCDSSPCKNG

ClinVar aggregate classification (germline): Uncertain significance. Review status: criteria provided, multiple submitters, no conflicts (2 of 4 stars). 2 submissions from 2 submitters: Uncertain significance (2). Last evaluated 2026-02-19.

Conditions:
Familial thoracic aortic aneurysm and aortic dissection (TAAD). Also called: Thoracic aortic aneurysms and dissections. Identifiers: Orphanet 91387, MedGen C4707243, MONDO:0019625.
Adams-Oliver syndrome 5 (AOS5). Identifiers: Orphanet 974, MedGen C4014970, MONDO:0014459, OMIM 616028.

gnomAD v4.1: 1 of 1,613,242 alleles (0.000062%); highest among the groups gnomAD compares: Admixed American, 0.0017%; no homozygotes.

Submissions (2):

Ambry Genetics
Classification: Uncertain significance for Familial thoracic aortic aneurysm and aortic dissection. Last evaluated: 2026-02-19. Review status: criteria provided, single submitter. Criteria: Ambry Variant Classification Scheme 2023. Collection method: clinical testing. Allele origin: germline.
Comment: The p.H1061N variant (also known as c.3181C>A), located in coding exon 20 of the NOTCH1 gene, results from a C to A substitution at nucleotide position 3181. The histidine at codon 1061 is replaced by asparagine, an amino acid with similar properties. This amino acid position is conserved. In addition, this alteration is predicted to be tolerated by in silico analysis. Based on the available evidence, the clinical significance of this variant remains unclear.

Labcorp Genetics (formerly Invitae), Labcorp
Classification: Uncertain significance for Adams-Oliver syndrome 5. Last evaluated: 2025-06-18. Review status: criteria provided, single submitter. Criteria: Invitae Variant Classification Sherloc (09022015). Collection method: clinical testing. Allele origin: germline.
Comment: This sequence change replaces histidine, which is basic and polar, with asparagine, which is neutral and polar, at codon 1061 of the NOTCH1 protein (p.His1061Asn). This variant is not present in population databases (gnomAD no frequency). This variant has not been reported in the literature in individuals affected with NOTCH1-related conditions. Invitae Evidence Modeling of protein sequence and biophysical properties (such as structural, functional, and spatial information, amino acid conservation, physicochemical variation, residue mobility, and thermodynamic stability) indicates that this missense variant is not expected to disrupt NOTCH1 protein function with a negative predictive value of 80%. In summary, the available evidence is currently insufficient to determine the role of this variant in disease. Therefore, it has been classified as a Variant of Uncertain Significance.